The following is an entry in ClinVar:

NM_007194.4(CHEK2):c.1026dup (p.Ile343fs)

Gene: CHEK2 (checkpoint kinase 2; minus strand). Cytogenetic location: 22q12.1.
Variant type: Duplication.
Coding change: c.1026dup on transcript NM_007194.4 (MANE Select); coding-DNA position 1026, one base duplicated (T; older notation c.1026dupT).
Protein change: p.Ile343fs; shifts the reading frame from isoleucine 343.
Molecular consequence: frameshift variant. On other transcripts: intron variant (3).
Genome position (GRCh38, 1-based): chr22:28,696,970, A duplicated on the plus strand (T on the coding strand, the reverse complement: CHEK2 is on the minus strand). VCF-style (leftmost placement, unchanged base first): chr22-28696969-T-TA. GRCh37 (hg19) VCF-style: chr22-29092957-T-TA.
Other names: c.1155dup, p.Ile386fs (NM_001005735.3); c.363dup, p.Ile122fs (NM_001257387.3, NM_001437942.1); c.825dup, p.Ile276fs (NM_001349956.3); c.1119dup, p.Ile374fs (NM_001438293.1); c.1009-1097dup (NM_145862.3); c.1102-1097dup (NM_001438295.1); c.1138-1097dup (NM_001438294.1); short protein forms I343fs, I276fs, I386fs, I122fs, I374fs.
Identifiers: ClinVar variation 3661198 (VCV003661198.2).

ClinVar aggregate classification (germline): Pathogenic (1 of 4 stars; one submission).

Conditions:
Familial cancer of breast. Also called: Hereditary breast cancer; hereditary breast carcinoma; BREAST CANCER, FAMILIAL. Identifiers: Orphanet 227535, MedGen C0346153, MONDO:0016419, OMIM 114480. Disease mechanism: loss of function.

Submission:

Labcorp Genetics (formerly Invitae), Labcorp
Classification: Pathogenic for Familial cancer of breast. Last evaluated: 2024-08-01. Review status: criteria provided, single submitter. Criteria: Invitae Variant Classification Sherloc (09022015). Collection method: clinical testing. Allele origin: germline.
Comment: This sequence change creates a premature translational stop signal (p.Ile343Tyrfs*5) in the CHEK2 gene. It is expected to result in an absent or disrupted protein product. Loss-of-function variants in CHEK2 are known to be pathogenic (PMID: 21876083, 24713400). This variant is not present in population databases (gnomAD no frequency). This variant has not been reported in the literature in individuals affected with CHEK2-related conditions. For these reasons, this variant has been classified as Pathogenic.

Literature cited by the submitters: PubMed 21876083; PubMed 24713400.